The following is an entry in ClinVar:

ClinVar aggregate classification (germline): Uncertain significance (1 of 4 stars; one submission).

Allele frequency attached by ClinVar (database versions not stated): gnomAD exomes below 0.00001; ExAC 0.00001.
gnomAD v4.1: 1 of 1,614,110 alleles (0.000062%); highest among the groups gnomAD compares: Admixed American, 0.0017%; no homozygotes.

Submission:

Labcorp Genetics (formerly Invitae), Labcorp
Classification: Uncertain significance. Last evaluated: 2024-10-25. Review status: criteria provided, single submitter. Criteria: Invitae Variant Classification Sherloc (09022015). Collection method: clinical testing. Allele origin: germline.
Comment: This sequence change replaces serine, which is neutral and polar, with cysteine, which is neutral and slightly polar, at codon 817 of the VCAN protein (p.Ser817Cys). This variant is present in population databases (rs11745614, gnomAD 0.003%). This variant has not been reported in the literature in individuals affected with VCAN-related conditions. ClinVar contains an entry for this variant (Variation ID: 2026270). An algorithm developed to predict the effect of missense changes on protein structure and function (PolyPhen-2) suggests that this variant is likely to be disruptive. In summary, the available evidence is currently insufficient to determine the role of this variant in disease. Therefore, it has been classified as a Variant of Uncertain Significance.

NM_004385.5(VCAN):c.2450C>G (p.Ser817Cys)

Gene: VCAN (versican; plus strand). Cytogenetic location: 5q14.3.
Variant type: single nucleotide variant.
Coding change: c.2450C>G on transcript NM_004385.5 (MANE Select); coding-DNA position 2450, C replaced by G.
Protein change: p.Ser817Cys; replaces serine 817 with cysteine.
Molecular consequence: missense variant. On other transcripts: intron variant (2).
Genome position (GRCh38, 1-based): chr5:83,520,756, C>G. VCF-style: chr5-83520756-C-G. GRCh37 (hg19) VCF-style: chr5-82816575-C-G.
Other names: c.2450C>G, p.Ser817Cys (NM_001164098.2); c.1042+8360C>G (NM_001164097.2, NM_001126336.3); short protein forms S817C.
Identifiers: ClinVar variation 2026270 (VCV002026270.4), dbSNP rs11745614, ClinGen allele CA3332844.
Genomic context (GRCh38, chr5:83,520,756, plus strand): 5'-CAGCCACTGTATCAAAATGGTCATGGGATGAAGATAATACAACATCCAAGCCTTTAGAGT[C>G]TACAGAACCTTCAGCCTCTTCAAAATTGCCCCCTGCCTTACTCACAACTGTGGGGATGAA-3'
Protein context (NP_004376.2, residues 807-827): EDNTTSKPLE[Ser817Cys]TEPSASSKLP